The following is an entry in ClinVar:

ClinVar aggregate classification (germline): Pathogenic (1 of 4 stars; one submission).

Conditions:
Inborn genetic diseases. Identifiers: MedGen C0950123, MeSH D030342.

Submission:

Ambry Genetics
Classification: Pathogenic for Inborn genetic diseases. Last evaluated: 2023-11-07. Review status: criteria provided, single submitter. Criteria: Ambry Variant Classification Scheme 2023. Collection method: clinical testing. Allele origin: germline.
Comment: The c.2166delT (p.F722Lfs*39) alteration, located in exon 15 (coding exon 14) of the PLA2G6 gene, consists of a deletion of one nucleotide at position 2166, causing a translational frameshift with a predicted alternate stop codon after 39 amino acids. This alteration occurs at the 3' terminus of the PLA2G6 gene, is not expected to trigger nonsense-mediated mRNA decay, and impacts the last 10.4% of the protein. However, premature stop codons are typically deleterious in nature, the impacted region is critical for protein function, and a significant portion of the protein is affected (Ambry internal data). Based on data from gnomAD, this allele has an overall frequency of 0.003% (1/31370) total alleles studied. The highest observed frequency was 0.007% (1/15400) of European (non-Finnish) alleles. Based on the available evidence, this alteration is classified as pathogenic.

NM_003560.4(PLA2G6):c.2166del (p.Phe722fs)

Gene: PLA2G6 (phospholipase A2 group VI; minus strand). Cytogenetic location: 22q13.1.
Variant type: Deletion.
Coding change: c.2166del on transcript NM_003560.4 (MANE Select); coding-DNA position 2166, one base deleted (T; older notation c.2166delT).
Protein change: p.Phe722fs; shifts the reading frame from phenylalanine 722.
Molecular consequence: frameshift variant.
Genome position (GRCh38, 1-based): chr22:38,113,523, A deleted on the plus strand (T on the coding strand, the reverse complement: PLA2G6 is on the minus strand); the first of 5 consecutive A bases (chr22:38,113,523-38,113,527); deleting any one gives the same sequence. VCF-style (leftmost placement, unchanged base first): chr22-38113522-CA-C. GRCh37 (hg19) VCF-style: chr22-38509529-CA-C.
Other names: c.2004del, p.Phe668fs (NM_001004426.3, NM_001199562.3, NM_001349865.2 and 1 more transcripts); c.2166del, p.Phe722fs (NM_001349864.2); c.1632del, p.Phe544fs (NM_001349867.2); c.1488del, p.Phe496fs (NM_001349868.2); c.1470del, p.Phe490fs (NM_001349869.2); short protein forms F490fs, F544fs, F668fs, F496fs, F722fs.
Identifiers: ClinVar variation 3214186 (VCV003214186.1), dbSNP rs1281282603, ClinGen allele CA639395779.